The following is an entry in ClinVar:

NM_003718.5(CDK13):c.4097G>A (p.Arg1366His)

Gene: CDK13 (cyclin dependent kinase 13; plus strand). Cytogenetic location: 7p14.1.
Variant type: single nucleotide variant.
Coding change: c.4097G>A on transcript NM_003718.5 (MANE Select); coding-DNA position 4097, G replaced by A.
Protein change: p.Arg1366His; replaces arginine 1366 with histidine.
Molecular consequence: missense variant.
Genome position (GRCh38, 1-based): chr7:40,094,538, G>A. VCF-style: chr7-40094538-G-A. GRCh37 (hg19) VCF-style: chr7-40134137-G-A.
Other names: c.3917G>A, p.Arg1306His (NM_031267.4); short protein forms R1366H, R1306H.
Identifiers: ClinVar variation 545696 (VCV000545696.6), dbSNP rs3801237, ClinGen allele CA4229079.

ClinVar aggregate classification (germline): Conflicting classifications of pathogenicity. Review status: criteria provided, conflicting classifications (1 of 4 stars). 3 submissions from 3 submitters: Uncertain significance (1); Benign (1). 1 of the submissions does not count toward it. Last evaluated 2026-01-04.

Conditions:
Congenital heart defects, dysmorphic facial features, and intellectual developmental disorder (CHDFIDD). Identifiers: Orphanet 646278, MedGen C4479246, MONDO:0044302, OMIM 617360.

Allele frequency attached by ClinVar (database versions not stated): TOPMed 0.00003; gnomAD 0.00005 and 0.00008; ESP Exome Variant Server 0.00008; gnomAD exomes 0.00017 and 0.00018; ExAC 0.00027; 1000 Genomes Project 30x 0.00031; 1000 Genomes Project 0.00040.
gnomAD v4.1: 249 of 1,611,718 alleles (0.015%); highest among the groups gnomAD compares: East Asian, 0.52%; 2 homozygotes.

Submissions (3):

Labcorp Genetics (formerly Invitae), Labcorp
Classification: Benign. Last evaluated: 2026-01-04. Review status: criteria provided, single submitter. Criteria: Invitae Variant Classification Sherloc (09022015). Collection method: clinical testing. Allele origin: germline.

Breakthrough Genomics
Classification: Uncertain significance. Review status: criteria provided, single submitter. Criteria: ACMG Guidelines, 2015. Collection method: not provided. Allele origin: germline. Inheritance: Autosomal dominant inheritance. Affected: yes.

Foundation for Research in Genetics and Endocrinology, FRIGE's Institute of Human Genetics
Classification: Uncertain significance for Congenital heart defects, dysmorphic facial features, and intellectual developmental disorder. Last evaluated: 2018-05-09. Review status: no assertion criteria provided. Collection method: clinical testing. Allele origin: germline. Inheritance: Autosomal dominant inheritance. Affected: yes. Observed: 1 variant allele, 1 heterozygote. Not counted in ClinVar's aggregate classification.
Comment: The observed variant c.4097G>A (p.Arg1366His) is reported in 1000 Genomes and ExAC with a minor allele frequency of 0.0004 and 0.0003 respectively. The in silico prediction of the variant is disease causing by MutationTaster2, damaging by SIFT, benign by PolyPhen2, and neutral by Provean.